The following is an entry in ClinVar:

NM_017617.5(NOTCH1):c.5385-3C>T

Gene: NOTCH1 (notch receptor 1; minus strand). Cytogenetic location: 9q34.3.
Variant type: single nucleotide variant.
Coding change: c.5385-3C>T on transcript NM_017617.5 (MANE Select); 3 bases into the intron before coding-DNA position 5385, C replaced by T.
Molecular consequence: intron variant.
Genome position (GRCh38, 1-based): chr9:136,502,091, G>A on the plus strand (C>T on the coding strand, the complement: NOTCH1 is on the minus strand). VCF-style: chr9-136502091-G-A. GRCh37 (hg19) VCF-style: chr9-139396543-G-A.
Identifiers: ClinVar variation 2770598 (VCV002770598.3), dbSNP rs1319288424, ClinGen allele CA591366834.

ClinVar aggregate classification (germline): Uncertain significance (1 of 4 stars; one submission).

Conditions:
Adams-Oliver syndrome 5 (AOS5). Identifiers: Orphanet 974, MedGen C4014970, MONDO:0014459, OMIM 616028.

Allele frequency attached by ClinVar (database versions not stated): gnomAD 0.00002; TOPMed 0.00003.

Submission:

Labcorp Genetics (formerly Invitae), Labcorp
Classification: Uncertain significance for Adams-Oliver syndrome 5. Last evaluated: 2025-05-27. Review status: criteria provided, single submitter. Criteria: Invitae Variant Classification Sherloc (09022015). Collection method: clinical testing. Allele origin: germline.
Comment: This sequence change falls in intron 28 of the NOTCH1 gene. It does not directly change the encoded amino acid sequence of the NOTCH1 protein. It affects a nucleotide within the consensus splice site. This variant is present in population databases (no rsID available, gnomAD 0.003%). This variant has not been reported in the literature in individuals affected with NOTCH1-related conditions. ClinVar contains an entry for this variant (Variation ID: 2770598). Variants that disrupt the consensus splice site are a relatively common cause of aberrant splicing (PMID: 17576681, 9536098). Algorithms developed to predict the effect of sequence changes on RNA splicing suggest that this variant is not likely to affect RNA splicing. In summary, the available evidence is currently insufficient to determine the role of this variant in disease. Therefore, it has been classified as a Variant of Uncertain Significance.

Literature cited by the submitters: PubMed 17576681; PubMed 9536098.